The following is an entry in ClinVar:

NM_006767.4(LZTR1):c.1504G>A (p.Gly502Ser)

Gene: LZTR1 (leucine zipper like post translational regulator 1; plus strand). Cytogenetic location: 22q11.21.
Variant type: single nucleotide variant.
Coding change: c.1504G>A on transcript NM_006767.4 (MANE Select); coding-DNA position 1504, G replaced by A.
Protein change: p.Gly502Ser; replaces glycine 502 with serine.
Molecular consequence: missense variant.
Genome position (GRCh38, 1-based): chr22:20,994,158, G>A. VCF-style: chr22-20994158-G-A. GRCh37 (hg19) VCF-style: chr22-21348447-G-A.
Other names: short protein forms G502S.
Identifiers: ClinVar variation 3541554 (VCV003541554.1).

ClinVar aggregate classification (germline): Uncertain significance (1 of 4 stars; one submission).

Conditions:
Hereditary cancer-predisposing syndrome. Also called: Hereditary Cancer Syndrome; Hereditary neoplastic syndrome; Tumor predisposition; Neoplastic Syndromes, Hereditary. Identifiers: Orphanet 140162, MedGen C0027672, MeSH D009386, MONDO:0015356.
Cardiovascular phenotype. Identifiers: MedGen CN230736.

gnomAD v4.1: 1 of 1,595,900 alleles (0.000063%); highest among the groups gnomAD compares: South Asian, 0.0011%; no homozygotes.

Submission:

Ambry Genetics
Classification: Uncertain significance for Cardiovascular phenotype; Hereditary cancer-predisposing syndrome. Last evaluated: 2024-10-15. Review status: criteria provided, single submitter. Criteria: Ambry Variant Classification Scheme 2023. Collection method: clinical testing. Allele origin: germline.
Comment: The p.G502S variant (also known as c.1504G>A), located in coding exon 14 of the LZTR1 gene, results from a G to A substitution at nucleotide position 1504. The glycine at codon 502 is replaced by serine, an amino acid with similar properties. This amino acid position is conserved. In addition, this alteration is predicted to be tolerated by in silico analysis. Based on the available evidence, the clinical significance of this variant remains unclear.